The following is an entry in ClinVar:

ClinVar aggregate classification (germline): Uncertain significance. Review status: criteria provided, multiple submitters, no conflicts (2 of 4 stars). 3 submissions from 3 submitters: Uncertain significance (3). Last evaluated 2026-09-25.

Conditions:
Ataxia - intellectual disability - oculomotor apraxia - cerebellar cysts syndrome. Also called: Poretti-Boltshauser syndrome. Identifiers: Orphanet 370022, MedGen C4014821, MONDO:0014419, OMIM 615960.

Allele frequency attached by ClinVar (database versions not stated): gnomAD exomes 0.00002; ExAC 0.00003.
gnomAD v4.1: 17 of 1,613,812 alleles (0.0011%); highest among the groups gnomAD compares: South Asian, 0.0066%; no homozygotes.

Submissions (3):

GeneDx
Classification: Uncertain significance. Last evaluated: 2026-09-25. Review status: criteria provided, single submitter. Criteria: GeneDx Variant Classification Process June 2021. Collection method: clinical testing. Allele origin: germline.
Comment: In silico analysis suggests that this missense variant does not alter protein structure/function; Has not been previously published as pathogenic or benign to our knowledge

Department of Pathology and Laboratory Medicine, Sinai Health System
Classification: Uncertain significance for Ataxia - intellectual disability - oculomotor apraxia - cerebellar cysts syndrome. Last evaluated: 2022-12-20. Review status: criteria provided, single submitter. Criteria: ACMG Guidelines, 2015. Collection method: research. Allele origin: germline.

Labcorp Genetics (formerly Invitae), Labcorp
Classification: Uncertain significance. Last evaluated: 2021-12-03. Review status: criteria provided, single submitter. Criteria: Invitae Variant Classification Sherloc (09022015). Collection method: clinical testing. Allele origin: germline.
Comment: This sequence change replaces glycine, which is neutral and non-polar, with serine, which is neutral and polar, at codon 2349 of the LAMA1 protein (p.Gly2349Ser). This variant is present in population databases (rs746726879, gnomAD 0.006%). This variant has not been reported in the literature in individuals affected with LAMA1-related conditions. Algorithms developed to predict the effect of missense changes on protein structure and function are either unavailable or do not agree on the potential impact of this missense change (SIFT: "Tolerated"; PolyPhen-2: "Probably Damaging"; Align-GVGD: "Class C0"). Algorithms developed to predict the effect of sequence changes on RNA splicing suggest that this variant may create or strengthen a splice site. In summary, the available evidence is currently insufficient to determine the role of this variant in disease. Therefore, it has been classified as a Variant of Uncertain Significance.

NM_005559.4(LAMA1):c.7045G>A (p.Gly2349Ser)

Gene: LAMA1 (laminin subunit alpha 1; minus strand). Cytogenetic location: 18p11.31.
Variant type: single nucleotide variant.
Coding change: c.7045G>A on transcript NM_005559.4 (MANE Select); coding-DNA position 7045, G replaced by A.
Protein change: p.Gly2349Ser; replaces glycine 2349 with serine.
Molecular consequence: missense variant.
Genome position (GRCh38, 1-based): chr18:6,966,152, C>T on the plus strand (G>A on the coding strand, the complement: LAMA1 is on the minus strand). VCF-style: chr18-6966152-C-T. GRCh37 (hg19) VCF-style: chr18-6966151-C-T.
Other names: c.7045G>A (NM_005559.3); short protein forms G2349S.
Identifiers: ClinVar variation 1488972 (VCV001488972.11), dbSNP rs746726879, ClinGen allele CA8881046.
Genomic context (GRCh38, chr18:6,966,152, plus strand): 5'-TAGCAATCTAAATGTGTGTATACAGTAGGGCCTAGGGCCGCACAAACACTCTTACTGTGC[C>T]GTATGAACCCAGGTAGAGAAGAAGTCCATTAGGTGAAAAGGTATTAAAAAGCATGATTAT-3'
Protein context (NP_005550.2, residues 2339-2359): NGLLLYLGSY[Gly2349Ser]TKDFLSIELF